The following is an entry in ClinVar:

NM_001128148.3(TFRC):c.1198+10_1198+12del

Gene: TFRC (transferrin receptor; minus strand). Cytogenetic location: 3q29.
Variant type: Deletion.
Coding change: c.1198+10_1198+12del on transcript NM_001128148.3 (MANE Select); bases 10 to 12 of the intron after coding-DNA position 1198, 3 bases deleted (GCC; older notation c.1198+10_1198+12delGCC).
Molecular consequence: intron variant.
Genome position (GRCh38, 1-based): chr3:196,065,431-196,065,433, GGC deleted on the plus strand (GCC on the coding strand, the reverse complement: TFRC is on the minus strand); deleting any 3 consecutive bases within chr3:196,065,431-196,065,435 gives the same sequence; the c. name uses the placement nearest the transcript's 3' end. VCF-style (leftmost placement, unchanged base first): chr3-196065430-GGGC-G. GRCh37 (hg19) VCF-style: chr3-195792301-GGGC-G.
Other names: c.352+10_352+12del (NM_001313966.2); c.955+10_955+12del (NM_001313965.2); c.1198+10_1198+12del (NM_003234.4); c.1198+10_1198+12delGCC (NM_003234.3).
Identifiers: ClinVar variation 1565873 (VCV001565873.10), dbSNP rs778721711, ClinGen allele CA2778044.

ClinVar aggregate classification (germline): Likely benign. Review status: criteria provided, single submitter (1 of 4 stars). 2 submissions from 2 submitters: Likely benign (1). 1 of the submissions does not count toward it. Last evaluated 2025-11-03.

Conditions:
TFRC-related disorder. Also called: TFRC-related condition.

Submissions (2):

Labcorp Genetics (formerly Invitae), Labcorp
Classification: Likely benign. Last evaluated: 2025-11-03. Review status: criteria provided, single submitter. Criteria: Invitae Variant Classification Sherloc (09022015). Collection method: clinical testing. Allele origin: germline.

PreventionGenetics, part of Exact Sciences
Classification: Likely benign for TFRC-related condition. Last evaluated: 2020-02-06. Review status: no assertion criteria provided. Collection method: clinical testing. Allele origin: germline. Not counted in ClinVar's aggregate classification.
Comment: This variant is classified as likely benign based on ACMG/AMP sequence variant interpretation guidelines (Richards et al. 2015 PMID: 25741868, with internal and published modifications).